The following is an entry in ClinVar:

NM_015160.3(PMPCA):c.125T>A (p.Ile42Asn)

Gene: PMPCA (peptidase, mitochondrial processing subunit alpha; plus strand). Cytogenetic location: 9q34.3.
Variant type: single nucleotide variant.
Coding change: c.125T>A on transcript NM_015160.3 (MANE Select); coding-DNA position 125, T replaced by A.
Protein change: p.Ile42Asn; replaces isoleucine 42 with asparagine.
Molecular consequence: missense variant. On other transcripts: 5 prime UTR variant (2).
Genome position (GRCh38, 1-based): chr9:136,412,050, T>A. VCF-style: chr9-136412050-T-A. GRCh37 (hg19) VCF-style: chr9-139306502-T-A.
Other names: c.-174T>A (NM_001282944.2, NM_001282946.2); short protein forms I42N.
Identifiers: ClinVar variation 1486964 (VCV001486964.8), dbSNP rs776304951, ClinGen allele CA5335858.

ClinVar aggregate classification (germline): Uncertain significance (1 of 4 stars; one submission).

Allele frequency attached by ClinVar (database versions not stated): gnomAD exomes 0.00001 and 0.00004; ExAC 0.00002; gnomAD 0.00002; TOPMed 0.00002.

Submission:

Labcorp Genetics (formerly Invitae), Labcorp
Classification: Uncertain significance. Last evaluated: 2021-05-14. Review status: criteria provided, single submitter. Criteria: Invitae Variant Classification Sherloc (09022015). Collection method: clinical testing. Allele origin: germline.
Comment: This sequence change replaces isoleucine with asparagine at codon 42 of the PMPCA protein (p.Ile42Asn). The isoleucine residue is weakly conserved and there is a large physicochemical difference between isoleucine and asparagine. This variant is present in population databases (rs776304951, ExAC 0.02%). This variant has not been reported in the literature in individuals with PMPCA-related conditions. Algorithms developed to predict the effect of missense changes on protein structure and function are either unavailable or do not agree on the potential impact of this missense change (SIFT: "Deleterious"; PolyPhen-2: "Benign"; Align-GVGD: "Class C0"). In summary, the available evidence is currently insufficient to determine the role of this variant in disease. Therefore, it has been classified as a Variant of Uncertain Significance.